The following is an entry in ClinVar:

NM_002691.3(POLD1):c.2959del

Gene: POLD1 (DNA polymerase delta 1, catalytic subunit; plus strand). Cytogenetic location: 19q13.33.
Variant type: Deletion.
Coding change: c.2959del on transcript NM_002691.3; coding-DNA position 2959, one base deleted (G; older notation c.2959delG).
Genome position (GRCh38, 1-based): chr19:50,416,615, G deleted; the last of 7 consecutive G bases (chr19:50,416,609-50,416,615); deleting any one gives the same sequence. VCF-style (leftmost placement, unchanged base first): chr19-50416608-AG-A. GRCh37 (hg19) VCF-style: chr19-50919865-AG-A.
Identifiers: ClinVar variation 935838 (VCV000935838.12), dbSNP rs756872503, ClinGen allele CA633897477.

ClinVar aggregate classification (germline): Uncertain significance. Review status: criteria provided, multiple submitters, no conflicts (2 of 4 stars). 2 submissions from 2 submitters: Uncertain significance (2). Last evaluated 2025-04-14.

Conditions:
Hereditary cancer-predisposing syndrome. Also called: Tumor predisposition; Neoplastic Syndromes, Hereditary; Hereditary neoplastic syndrome; Hereditary Cancer Syndrome. Identifiers: Orphanet 140162, MedGen C0027672, MeSH D009386, MONDO:0015356.
POLD1-related polyposis and colorectal cancer syndrome (CRCS10). Also called: Colorectal cancer, susceptibility to, 10; Colorectal cancer 10; COLORECTAL CANCER, SUSCEPTIBILITY TO, ON CHROMOSOME 19q. Identifiers: Orphanet 220460, MedGen C2675481, MONDO:0012953, OMIM 612591.

Submissions (2):

Ambry Genetics
Classification: Uncertain significance for Hereditary cancer-predisposing syndrome. Last evaluated: 2025-04-14. Review status: criteria provided, single submitter. Criteria: Ambry Variant Classification Scheme 2023. Collection method: clinical testing. Allele origin: germline.
Comment: The c.2959delG variant, located in coding exon 23 of the POLD1 gene, results from a deletion of one nucleotide at nucleotide position 2959, causing a translational frameshift with a predicted alternate stop codon (p.D987Tfs*58). This alteration is expected to result in loss of function by premature protein truncation or nonsense-mediated mRNA decay. However, loss of function of POLD1 has not been established as a mechanism of disease. Based on the available evidence, the clinical significance of this alteration remains unclear.

Labcorp Genetics (formerly Invitae), Labcorp
Classification: Uncertain significance for POLD1-related polyposis and colorectal cancer syndrome. Last evaluated: 2025-04-07. Review status: criteria provided, single submitter. Criteria: Invitae Variant Classification Sherloc (09022015). Collection method: clinical testing. Allele origin: germline.
Comment: This sequence change creates a premature translational stop signal (p.Asp987Thrfs*58) in the POLD1 gene. Missense variants that disrupt the 3'-5' exonuclease (proof-reading) activity of the POLD1 protein are associated with PPAP (polymerase proofreading–associated polyposis) (PMID: 23263490, 23447401). However, loss-of-function variants that result in an absent or severely disrupted POLD1 protein, and missense variants outside the exonuclease domain, are unlikely to be associated with PPAP. The frequency data for this variant in the population databases is considered unreliable, as metrics indicate poor data quality at this position in the gnomAD database. This variant has not been reported in the literature in individuals affected with POLD1-related conditions. ClinVar contains an entry for this variant (Variation ID: 935838). RNA analysis performed to evaluate the impact of this premature translational stop signal on mRNA splicing indicates it does not significantly alter splicing (internal data). In summary, the available evidence is currently insufficient to determine the role of this variant in disease. Therefore, it has been classified as a Variant of Uncertain Significance.

Literature cited by the submitters: PubMed 23263490 (cited by Labcorp Genetics (formerly Invitae), Labcorp); PubMed 23447401 (cited by Labcorp Genetics (formerly Invitae), Labcorp).